The following is an entry in ClinVar:

ClinVar aggregate classification (germline): Uncertain significance (1 of 4 stars; one submission).

Conditions:
Inborn genetic diseases. Identifiers: MedGen C0950123, MeSH D030342.

gnomAD v4.1: 1 of 1,614,106 alleles (0.000062%); highest among the groups gnomAD compares: South Asian, 0.0011%; no homozygotes.

Submission:

Ambry Genetics
Classification: Uncertain significance for Inborn genetic diseases. Last evaluated: 2025-03-03. Review status: criteria provided, single submitter. Criteria: Ambry Variant Classification Scheme 2023. Collection method: clinical testing. Allele origin: germline.
Comment: The p.S955T variant (also known as c.2864G>C), located in coding exon 13 of the ASXL1 gene, results from a G to C substitution at nucleotide position 2864. The serine at codon 955 is replaced by threonine, an amino acid with similar properties. This amino acid position is conserved. In addition, this alteration is predicted to be tolerated by in silico analysis. Based on the available evidence, the clinical significance of this variant remains unclear.

NM_015338.6(ASXL1):c.2864G>C (p.Ser955Thr)

Gene: ASXL1 (ASXL transcriptional regulator 1; plus strand). Cytogenetic location: 20q11.21.
Variant type: single nucleotide variant.
Coding change: c.2864G>C on transcript NM_015338.6 (MANE Select); coding-DNA position 2864, G replaced by C.
Protein change: p.Ser955Thr; replaces serine 955 with threonine.
Molecular consequence: missense variant.
Genome position (GRCh38, 1-based): chr20:32,435,576, G>C. VCF-style: chr20-32435576-G-C. GRCh37 (hg19) VCF-style: chr20-31023379-G-C.
Other names: c.2681G>C, p.Ser894Thr (NM_001363734.1); short protein forms S894T, S955T.
Identifiers: ClinVar variation 3794002 (VCV003794002.1).